The following is an entry in ClinVar:

NM_001372066.1(TFAP2A):c.28A>G (p.Asn10Asp)

Genes: TFAP2A (transcription factor AP-2 alpha; minus strand), TFAP2A-AS1 (TFAP2A antisense RNA 1; plus strand). Cytogenetic location: 6p24.3.
Variant type: single nucleotide variant.
Coding change: c.28A>G on transcript NM_001372066.1 (MANE Select); coding-DNA position 28, A replaced by G.
Protein change: p.Asn10Asp; replaces asparagine 10 with aspartic acid.
Molecular consequence: missense variant. On other transcripts: non-coding transcript variant (1), intron variant (1).
Genome position (GRCh38, 1-based): chr6:10,414,964, T>C on the plus strand (A>G on the coding strand, the complement: TFAP2A is on the minus strand). VCF-style: chr6-10414964-T-C. GRCh37 (hg19) VCF-style: chr6-10415197-T-C.
Other names: c.33+4454A>G (NM_001042425.3); short protein forms N10D.
Identifiers: ClinVar variation 4795332 (VCV004795332.1).

ClinVar aggregate classification (germline): Uncertain significance (1 of 4 stars; one submission).

gnomAD v4.1: 6 of 1,614,022 alleles (0.00037%); highest among the groups gnomAD compares: Non-Finnish European, 0.00051%; no homozygotes.

Submission:

GeneDx
Classification: Uncertain significance. Last evaluated: 2025-08-16. Review status: criteria provided, single submitter. Criteria: GeneDx Variant Classification Process June 2021. Collection method: clinical testing. Allele origin: germline. Affected: yes.
Comment: Not observed at significant frequency in large population cohorts (gnomAD); In silico analysis suggests that this missense variant does not alter protein structure/function; Has not been previously published as pathogenic or benign to our knowledge